The following is an entry in ClinVar:

ClinVar aggregate classification (germline): Uncertain significance. Review status: criteria provided, multiple submitters, no conflicts (2 of 4 stars). 2 submissions from 2 submitters: Uncertain significance (2). Last evaluated 2025-10-22.

Conditions:
Inborn genetic diseases. Identifiers: MedGen C0950123, MeSH D030342.

Allele frequency attached by ClinVar (database versions not stated): gnomAD exomes 0.00001; TOPMed 0.00003; 1000 Genomes Project 30x 0.00047; 1000 Genomes Project 0.00060; ExAC 0.00002; gnomAD 0.00004.
gnomAD v4.1: 21 of 1,613,960 alleles (0.0013%); highest among the groups gnomAD compares: Admixed American, 0.0067%; no homozygotes.

Submissions (2):

Ambry Genetics
Classification: Uncertain significance for Inborn genetic diseases. Last evaluated: 2025-10-22. Review status: criteria provided, single submitter. Criteria: Ambry Variant Classification Scheme 2023. Collection method: clinical testing. Allele origin: germline.

Labcorp Genetics (formerly Invitae), Labcorp
Classification: Uncertain significance. Last evaluated: 2024-11-18. Review status: criteria provided, single submitter. Criteria: Invitae Variant Classification Sherloc (09022015). Collection method: clinical testing. Allele origin: germline.
Comment: This sequence change replaces arginine, which is basic and polar, with glutamine, which is neutral and polar, at codon 344 of the SAMD9 protein (p.Arg344Gln). This variant is present in population databases (rs180705437, gnomAD 0.006%). This variant has not been reported in the literature in individuals affected with SAMD9-related conditions. ClinVar contains an entry for this variant (Variation ID: 1935088). An algorithm developed to predict the effect of missense changes on protein structure and function outputs the following: PolyPhen-2: "Possibly Damaging". The glutamine amino acid residue is found in multiple mammalian species, which suggests that this missense change does not adversely affect protein function. In summary, the available evidence is currently insufficient to determine the role of this variant in disease. Therefore, it has been classified as a Variant of Uncertain Significance.

NM_017654.4(SAMD9):c.1031G>A (p.Arg344Gln)

Gene: SAMD9 (sterile alpha motif domain containing 9; minus strand). Cytogenetic location: 7q21.2.
Variant type: single nucleotide variant.
Coding change: c.1031G>A on transcript NM_017654.4 (MANE Select); coding-DNA position 1031, G replaced by A.
Protein change: p.Arg344Gln; replaces arginine 344 with glutamine.
Molecular consequence: missense variant.
Genome position (GRCh38, 1-based): chr7:93,105,067, C>T on the plus strand (G>A on the coding strand, the complement: SAMD9 is on the minus strand). VCF-style: chr7-93105067-C-T. GRCh37 (hg19) VCF-style: chr7-92734380-C-T.
Other names: c.1031G>A, p.Arg344Gln (NM_001193307.2); c.1031G>A (NM_017654.3); short protein forms R344Q.
Identifiers: ClinVar variation 1935088 (VCV001935088.5), dbSNP rs180705437, ClinGen allele CA4343037.